The following is an entry in ClinVar:

ClinVar aggregate classification (germline): Uncertain significance (1 of 4 stars; one submission).

Conditions:
GNPTAB-Related Disorders. Also called: GNPTAB-related condition; GNPTAB-related disorder. Identifiers: MedGen CN381523.

Submission:

PreventionGenetics, part of Exact Sciences
Classification: Uncertain significance for GNPTAB-related condition. Last evaluated: 2024-12-14. Review status: criteria provided, single submitter. Criteria: ACMG Guidelines, 2015. Collection method: clinical testing. Allele origin: germline.
Comment: The GNPTAB c.3715A>T variant is predicted to result in the amino acid substitution p.Ile1239Leu. To our knowledge, this variant has not been reported in the literature or in a large population database (gnomAD), indicating this variant is rare. At this time, the clinical significance of this variant is uncertain due to the absence of conclusive functional and genetic evidence.

NM_024312.5(GNPTAB):c.3715A>T (p.Ile1239Leu)

Gene: GNPTAB (N-acetylglucosamine-1-phosphate transferase subunits alpha and beta; minus strand). Cytogenetic location: 12q23.2.
Variant type: single nucleotide variant.
Coding change: c.3715A>T on transcript NM_024312.5 (MANE Select); coding-DNA position 3715, A replaced by T.
Protein change: p.Ile1239Leu; replaces isoleucine 1239 with leucine.
Molecular consequence: missense variant.
Genome position (GRCh38, 1-based): chr12:101,747,220, T>A on the plus strand (A>T on the coding strand, the complement: GNPTAB is on the minus strand). VCF-style: chr12-101747220-T-A. GRCh37 (hg19) VCF-style: chr12-102140998-T-A.
Other names: short protein forms I1239L.
Identifiers: ClinVar variation 4999406 (VCV004999406.1).